The following is an entry in ClinVar:

ClinVar aggregate classification (germline): Uncertain significance (1 of 4 stars; one submission).

Conditions:
Myopathy, proximal, and ophthalmoplegia (CMYO6). Also called: CONGENITAL MYOPATHY 6 WITH OPHTHALMOPLEGIA; MYOPATHY WITH CONGENITAL JOINT CONTRACTURES, OPHTHALMOPLEGIA, AND RIMMED VACUOLES; INCLUSION BODY MYOPATHY 3, AUTOSOMAL DOMINANT. Identifiers: Orphanet 363677, Orphanet 79091, MedGen C1854106, MONDO:0011577, OMIM 605637.

Allele frequency attached by ClinVar (database versions not stated): gnomAD exomes below 0.00001.
gnomAD v4.1: 1 of 1,614,152 alleles (0.000062%); highest among the groups gnomAD compares: Non-Finnish European, 0.000085%; no homozygotes.

Submission:

Labcorp Genetics (formerly Invitae), Labcorp
Classification: Uncertain significance for Myopathy, proximal, and ophthalmoplegia. Last evaluated: 2022-06-20. Review status: criteria provided, single submitter. Criteria: Invitae Variant Classification Sherloc (09022015). Collection method: clinical testing. Allele origin: germline.
Comment: In summary, the available evidence is currently insufficient to determine the role of this variant in disease. Therefore, it has been classified as a Variant of Uncertain Significance. Algorithms developed to predict the effect of missense changes on protein structure and function are either unavailable or do not agree on the potential impact of this missense change (SIFT: "Deleterious"; PolyPhen-2: "Benign"; Align-GVGD: "Class C55"). ClinVar contains an entry for this variant (Variation ID: 1044812). This variant has not been reported in the literature in individuals affected with MYH2-related conditions. This variant is not present in population databases (gnomAD no frequency). This sequence change replaces threonine, which is neutral and polar, with asparagine, which is neutral and polar, at codon 1188 of the MYH2 protein (p.Thr1188Asn).

NM_017534.6(MYH2):c.3563C>A (p.Thr1188Asn)

Genes: MYH2 (myosin heavy chain 2; minus strand), MYHAS (myosin heavy chain gene cluster antisense RNA; plus strand). Cytogenetic location: 17p13.1.
Variant type: single nucleotide variant.
Coding change: c.3563C>A on transcript NM_017534.6 (MANE Select); coding-DNA position 3563, C replaced by A.
Protein change: p.Thr1188Asn; replaces threonine 1188 with asparagine.
Molecular consequence: missense variant.
Genome position (GRCh38, 1-based): chr17:10,528,871, G>T on the plus strand (C>A on the coding strand, the complement: MYH2 is on the minus strand). VCF-style: chr17-10528871-G-T. GRCh37 (hg19) VCF-style: chr17-10432188-G-T.
Other names: c.3563C>A, p.Thr1188Asn (NM_001100112.2); short protein forms T1188N.
Identifiers: ClinVar variation 1044812 (VCV001044812.5), dbSNP rs2073387879, ClinGen allele CA398133230.